The following is an entry in ClinVar:

NM_032447.5(FBN3):c.5785G>T (p.Asp1929Tyr)

Gene: FBN3 (fibrillin 3; minus strand). Cytogenetic location: 19p13.2.
Variant type: single nucleotide variant.
Coding change: c.5785G>T on transcript NM_032447.5 (MANE Select); coding-DNA position 5785, G replaced by T.
Protein change: p.Asp1929Tyr; replaces aspartic acid 1929 with tyrosine.
Molecular consequence: missense variant.
Genome position (GRCh38, 1-based): chr19:8,095,375, C>A on the plus strand (G>T on the coding strand, the complement: FBN3 is on the minus strand). VCF-style: chr19-8095375-C-A. GRCh37 (hg19) VCF-style: chr19-8160259-C-A.
Other names: c.5785G>T, p.Asp1929Tyr (NM_001321431.2); short protein forms D1929Y.
Identifiers: ClinVar variation 3608422 (VCV003608422.2).

ClinVar aggregate classification (germline): Uncertain significance (1 of 4 stars; one submission).

gnomAD v4.1: 32 of 1,612,752 alleles (0.002%); highest among the groups gnomAD compares: Non-Finnish European, 0.0026%; no homozygotes.

Submission:

Labcorp Genetics (formerly Invitae), Labcorp
Classification: Uncertain significance. Last evaluated: 2024-08-28. Review status: criteria provided, single submitter. Criteria: Invitae Variant Classification Sherloc (09022015). Collection method: clinical testing. Allele origin: germline.
Comment: This sequence change replaces aspartic acid, which is acidic and polar, with tyrosine, which is neutral and polar, at codon 1929 of the FBN3 protein (p.Asp1929Tyr). This variant also falls at the last nucleotide of exon 46, which is part of the consensus splice site for this exon. This variant is present in population databases (rs780658191, gnomAD 0.005%). This variant has not been reported in the literature in individuals affected with FBN3-related conditions. An algorithm developed to predict the effect of missense changes on protein structure and function (PolyPhen-2) suggests that this variant is likely to be disruptive. Variants that disrupt the consensus splice site are a relatively common cause of aberrant splicing (PMID: 17576681, 9536098). Algorithms developed to predict the effect of sequence changes on RNA splicing suggest that this variant may disrupt the consensus splice site. In summary, the available evidence is currently insufficient to determine the role of this variant in disease. Therefore, it has been classified as a Variant of Uncertain Significance.

Literature cited by the submitters: PubMed 17576681; PubMed 9536098.